The following is an entry in ClinVar:

ClinVar aggregate classification (germline): Uncertain significance (1 of 4 stars; one submission).

Conditions:
Deficiency of alpha-mannosidase (MANSA). Also called: Alpha-Mannosidosis; LYSOSOMAL ALPHA-D-MANNOSIDASE DEFICIENCY; Mannosidosis, alpha-, types I and II. Identifiers: Orphanet 61, MedGen C0024748, MONDO:0009561, OMIM 248500.

Allele frequency attached by ClinVar (database versions not stated): gnomAD exomes below 0.00001.

Submission:

MVZ Medizinische Genetik Mainz
Classification: Uncertain significance for Deficiency of alpha-mannosidase. Last evaluated: 2022-06-27. Review status: criteria provided, single submitter. Criteria: UK Practice Guidelines For Variant Classification V4 01 2020. Collection method: clinical testing. Allele origin: germline. Inheritance: Autosomal recessive inheritance. Affected: yes. Observed: 1 variant allele.
Comment: ACMG Criteria: PM1, PM2_SUP, PM3_SUP (ACMG Version 4); Compound Heterozygote

NM_000528.4(MAN2B1):c.1349G>T (p.Ser450Ile)

Genes: MAN2B1 (mannosidase alpha class 2B member 1; minus strand), LOC129391064 (MPRA-validated peak3365 silencer; plus strand). Cytogenetic location: 19p13.13.
Variant type: single nucleotide variant.
Coding change: c.1349G>T on transcript NM_000528.4 (MANE Select); coding-DNA position 1349, G replaced by T.
Protein change: p.Ser450Ile; replaces serine 450 with isoleucine.
Molecular consequence: missense variant.
Genome position (GRCh38, 1-based): chr19:12,657,516, C>A on the plus strand (G>T on the coding strand, the complement: MAN2B1 is on the minus strand). VCF-style: chr19-12657516-C-A. GRCh37 (hg19) VCF-style: chr19-12768330-C-A.
Other names: c.1346G>T, p.Ser449Ile (NM_001173498.2); short protein forms S449I, S450I.
Identifiers: ClinVar variation 3068373 (VCV003068373.1), dbSNP rs2512501653, ClinGen allele CA404246898.